The following is an entry in ClinVar:

NM_004531.5(MOCS2):c.209C>T (p.Ala70Val)

Gene: MOCS2 (molybdenum cofactor synthesis 2; minus strand). Cytogenetic location: 5q11.2.
Variant type: single nucleotide variant.
Coding change: c.209C>T on transcript NM_004531.5 (MANE Select); coding-DNA position 209, C replaced by T.
Protein change: p.Ala70Val; replaces alanine 70 with valine.
Molecular consequence: missense variant. On other transcripts: 3 prime UTR variant (1).
Genome position (GRCh38, 1-based): chr5:53,102,114, G>A on the plus strand (C>T on the coding strand, the complement: MOCS2 is on the minus strand). VCF-style: chr5-53102114-G-A. GRCh37 (hg19) VCF-style: chr5-52397944-G-A.
Other names: c.*129C>T (NM_176806.4); short protein forms A70V.
Identifiers: ClinVar variation 1056813 (VCV001056813.6), dbSNP rs148685617, ClinGen allele CA3263694.

ClinVar aggregate classification (germline): Uncertain significance. Review status: criteria provided, multiple submitters, no conflicts (2 of 4 stars). 2 submissions from 2 submitters: Uncertain significance (2). Last evaluated 2024-02-12.

Conditions:
Sulfite oxidase deficiency due to molybdenum cofactor deficiency type B1 (MOCODB1). Also called: MOLYBDENUM COFACTOR DEFICIENCY, TYPE B1; Molybdenum cofactor deficiency, complementation group B; Molybdenum cofactor deficiency B; Sulfite oxidase deficiency due to molybdenum cofactor deficiency type B. Identifiers: Orphanet 308393, Orphanet 833, MedGen C6065887, MONDO:0009644, OMIM 252160.

Allele frequency attached by ClinVar (database versions not stated): ExAC 0.00008; TOPMed 0.00011; gnomAD exomes 0.00012 and 0.00024; gnomAD 0.00014 and 0.00015; ESP Exome Variant Server 0.00031.
gnomAD v4.1: 367 of 1,613,588 alleles (0.023%); highest among the groups gnomAD compares: Non-Finnish European, 0.029%; no homozygotes.

Submissions (2):

Fulgent Genetics
Classification: Uncertain significance for Sulfite oxidase deficiency due to molybdenum cofactor deficiency type B1. Last evaluated: 2024-02-12. Review status: criteria provided, single submitter. Criteria: ACMG Guidelines, 2015. Collection method: clinical testing. Allele origin: germline.

Labcorp Genetics (formerly Invitae), Labcorp
Classification: Uncertain significance. Last evaluated: 2022-09-27. Review status: criteria provided, single submitter. Criteria: Invitae Variant Classification Sherloc (09022015). Collection method: clinical testing. Allele origin: germline.
Comment: This sequence change replaces alanine, which is neutral and non-polar, with valine, which is neutral and non-polar, at codon 70 of the MOCS2B protein (p.Ala70Val). This variant is present in population databases (rs148685617, gnomAD 0.02%). This variant has not been reported in the literature in individuals affected with MOCS2B-related conditions. ClinVar contains an entry for this variant (Variation ID: 1056813). Algorithms developed to predict the effect of missense changes on protein structure and function (SIFT, PolyPhen-2, Align-GVGD) all suggest that this variant is likely to be disruptive. In summary, the available evidence is currently insufficient to determine the role of this variant in disease. Therefore, it has been classified as a Variant of Uncertain Significance.